The following is an entry in ClinVar:

NC_000016.9:g.(?_72134335)_(72205107_?)dup

Genes: DHX38 (DEAH-box helicase 38; plus strand), PMFBP1 (polyamine modulated factor 1 binding protein 1; minus strand). Cytogenetic location: 16q22.2.
Variant type: Duplication.
Identifiers: ClinVar variation 1040888 (VCV001040888.1).

ClinVar aggregate classification (germline): Uncertain significance (1 of 4 stars; one submission).

Submission:

Labcorp Genetics (formerly Invitae), Labcorp
Classification: Uncertain significance. Last evaluated: 2020-06-23. Review status: criteria provided, single submitter. Criteria: Invitae Variant Classification Sherloc (09022015). Collection method: clinical testing. Allele origin: germline.
Comment: This variant results in a copy number gain of the genomic region encompassing exon(s) 9-27 of the DHX38 gene. The 5' boundary is likely confined to intron 8. The 3' end of this event is unknown as it extends beyond the assayed region for this gene and therefore may encompass additional genes. As the precise location of this event is unknown, it may be in tandem or it may be located elsewhere in the genome. This variant has not been reported in the literature in individuals with DHX38-related conditions. Experimental studies and prediction algorithms are not available or were not evaluated, and the functional significance of this variant is currently unknown. In summary, the available evidence is currently insufficient to determine the role of this variant in disease. Therefore, it has been classified as a Variant of Uncertain Significance.